The following is an entry in ClinVar:

NM_001253697.2(ERBIN):c.2998A>G (p.Ile1000Val)

Gene: ERBIN (erbb2 interacting protein; plus strand). Cytogenetic location: 5q12.3.
Variant type: single nucleotide variant.
Coding change: c.2998A>G on transcript NM_001253697.2 (MANE Select); coding-DNA position 2998, A replaced by G.
Protein change: p.Ile1000Val; replaces isoleucine 1000 with valine.
Molecular consequence: missense variant.
Genome position (GRCh38, 1-based): chr5:66,054,316, A>G. VCF-style: chr5-66054316-A-G. GRCh37 (hg19) VCF-style: chr5-65350144-A-G.
Other names: c.2998A>G, p.Ile1000Val (NM_001006600.3, NM_001253698.2, NM_001253699.2 and 1 more transcripts); c.2986A>G, p.Ile996Val (NM_001253701.2); short protein forms I1000V, I996V.
Identifiers: ClinVar variation 2778235 (VCV002778235.3), dbSNP rs1759366122, ClinGen allele CA359868400.

ClinVar aggregate classification (germline): Uncertain significance (1 of 4 stars; one submission).

Allele frequency attached by ClinVar (database versions not stated): gnomAD 0.00001.
gnomAD v4.1: 1 of 1,614,042 alleles (0.000062%); highest among the groups gnomAD compares: African/African-American, 0.0013%; no homozygotes.

Submission:

Labcorp Genetics (formerly Invitae), Labcorp
Classification: Uncertain significance. Last evaluated: 2022-11-02. Review status: criteria provided, single submitter. Criteria: Invitae Variant Classification Sherloc (09022015). Collection method: clinical testing. Allele origin: germline.
Comment: This variant has not been reported in the literature in individuals affected with ERBIN-related conditions. In summary, the available evidence is currently insufficient to determine the role of this variant in disease. Therefore, it has been classified as a Variant of Uncertain Significance. Algorithms developed to predict the effect of missense changes on protein structure and function output the following: SIFT: "Tolerated"; PolyPhen-2: "Benign"; Align-GVGD: "Class C0". The valine amino acid residue is found in multiple mammalian species, which suggests that this missense change does not adversely affect protein function. This variant is not present in population databases (gnomAD no frequency). This sequence change replaces isoleucine, which is neutral and non-polar, with valine, which is neutral and non-polar, at codon 1000 of the ERBIN protein (p.Ile1000Val).